The following is an entry in ClinVar:

NM_000548.5(TSC2):c.1816A>G (p.Ile606Val)

Gene: TSC2 (TSC complex subunit 2; plus strand). Cytogenetic location: 16p13.3.
Variant type: single nucleotide variant.
Coding change: c.1816A>G on transcript NM_000548.5 (MANE Select); coding-DNA position 1816, A replaced by G.
Protein change: p.Ile606Val; replaces isoleucine 606 with valine.
Molecular consequence: missense variant.
Genome position (GRCh38, 1-based): chr16:2,070,555, A>G. VCF-style: chr16-2070555-A-G. GRCh37 (hg19) VCF-style: chr16-2120556-A-G.
Other names: c.1816A>G (NM_000548.4); c.1816A>G, p.Ile606Val (NM_001077183.3, NM_001114382.3, NM_001363528.2 and 3 more transcripts); c.1705A>G, p.Ile569Val (NM_001318827.2); c.1669A>G, p.Ile557Val (NM_001318829.2); c.1216A>G, p.Ile406Val (NM_001318831.2); c.1849A>G, p.Ile617Val (NM_001318832.2); short protein forms I606V, I406V, I569V, I557V, I617V.
Identifiers: ClinVar variation 318315 (VCV000318315.27), dbSNP rs371074761, ClinGen allele CA033640.

ClinVar aggregate classification (germline): Conflicting classifications of pathogenicity. Review status: criteria provided, conflicting classifications (1 of 4 stars). 11 submissions from 11 submitters: Uncertain significance (3); Benign (1); Likely benign (7). Last evaluated 2026-02-28.

Conditions:
Tuberous sclerosis syndrome (TSC). Also called: Tuberous Sclerosis Complex; Tuberous sclerosis. Identifiers: Orphanet 805, MedGen C0041341, MONDO:0001734.
Tuberous sclerosis 2 (TSC2). Identifiers: Orphanet 805, MedGen C1860707, MONDO:0013199, OMIM 613254.
TSC2-related disorder. Also called: TSC2-Related Disorders; TSC2-related condition.
Hereditary cancer-predisposing syndrome. Also called: Hereditary Cancer Syndrome; Neoplastic Syndromes, Hereditary; Tumor predisposition; Hereditary neoplastic syndrome. Identifiers: Orphanet 140162, MedGen C0027672, MeSH D009386, MONDO:0015356.

Allele frequency attached by ClinVar (database versions not stated): ExAC 0.00003; gnomAD exomes 0.00003 and 0.00011; TOPMed 0.00003; gnomAD 0.00004; ESP Exome Variant Server 0.00015.
gnomAD v4.1: 161 of 1,613,034 alleles (0.01%); highest among the groups gnomAD compares: Non-Finnish European, 0.013%; no homozygotes.

Submissions (11):

PreventionGenetics, part of Exact Sciences
Classification: Likely benign for TSC2-related condition. Last evaluated: 2026-02-28. Review status: criteria provided, single submitter. Criteria: ACMG Guidelines, 2015. Collection method: clinical testing. Allele origin: germline.
Comment: This variant is classified as likely benign based on ACMG/AMP sequence variant interpretation guidelines (Richards et al. 2015 PMID: 25741868, with internal and published modifications).

Labcorp Genetics (formerly Invitae), Labcorp
Classification: Benign for Tuberous sclerosis 2. Last evaluated: 2026-01-19. Review status: criteria provided, single submitter. Criteria: Invitae Variant Classification Sherloc (09022015). Collection method: clinical testing. Allele origin: germline.

Myriad Genetics, Inc.
Classification: Likely benign for Tuberous sclerosis 2. Last evaluated: 2025-05-15. Review status: criteria provided, single submitter. Criteria: Myriad Autosomal Dominant, Autosomal Recessive and X-Linked Classification Criteria (2023). Collection method: clinical testing. Allele origin: unknown.
Comment: This variant is considered likely benign. This variant has been observed at a population frequency that is significantly greater than expected given the associated disease prevalence and penetrance.

All of Us Research Program, National Institutes of Health
Classification: Likely benign for Tuberous sclerosis syndrome. Last evaluated: 2023-10-23. Review status: criteria provided, single submitter. Criteria: ACMG Guidelines, 2015. Collection method: clinical testing. Allele origin: germline. Inheritance: Autosomal dominant inheritance. Observed: 6 variant alleles, 6 heterozygotes.
Comment: This study involves interpretation of variants in research participants for the purpose of population health screening. Participant phenotype was not available at the time of variant classification. Additional details can be found in publication PMID: 35346344, PMCID: PMC8962531

Color Diagnostics, LLC DBA Color Health
Classification: Likely benign for Tuberous sclerosis syndrome. Last evaluated: 2022-08-16. Review status: criteria provided, single submitter. Criteria: ACMG Guidelines, 2015. Collection method: clinical testing. Allele origin: germline.

Sema4
Classification: Uncertain significance for Hereditary cancer-predisposing syndrome. Last evaluated: 2021-11-22. Review status: criteria provided, single submitter. Criteria: Sema4 Curation Guidelines. Collection method: curation. Allele origin: germline.
Comment: To the best of our knowledge, the TSC2 c.1816A>G (p.I606V) variant has not been reported in individuals with TSC2-related disease. It was observed in 9/128338 chromosomes of the European (non-Finnish) subpopulation in the large and broad cohorts of the Genome Aggregation Database (PMID: 32461654). The variant has been reported in ClinVar (Variation ID: 318315). Functional studies have not been performed, and in silico predictions of the variant's effect on protein function are inconclusive. The evidence is insufficient to meet ACMG/AMP criteria for classifying the variant as benign or pathogenic. Thus, the clinical significance of this variant is currently uncertain.

Genome-Nilou Lab
Classification: Likely benign for Tuberous sclerosis 2. Last evaluated: 2021-11-07. Review status: criteria provided, single submitter. Criteria: ACMG Guidelines, 2015. Collection method: clinical testing. Allele origin: germline. Affected: no.

Ambry Genetics
Classification: Likely benign for Hereditary cancer-predisposing syndrome. Last evaluated: 2020-06-30. Review status: criteria provided, single submitter. Criteria: Ambry Variant Classification Scheme 2023. Collection method: clinical testing. Allele origin: germline.

GeneDx
Classification: Likely benign. Last evaluated: 2019-08-29. Review status: criteria provided, single submitter. Criteria: GeneDx Variant Classification Process June 2021. Collection method: clinical testing. Allele origin: germline. Affected: yes.
Comment: In silico analysis, which includes protein predictors and evolutionary conservation, supports that this variant does not alter protein structure/function; This variant is associated with the following publications: (PMID: 23514105, 29641532)

Illumina Laboratory Services, Illumina
Classification: Uncertain significance for Tuberous sclerosis syndrome. Last evaluated: 2018-01-13. Review status: criteria provided, single submitter. Criteria: ICSL Variant Classification Criteria 13 December 2019. Collection method: clinical testing. Allele origin: germline.

Athena Diagnostics
Classification: Uncertain significance. Last evaluated: 2017-04-17. Review status: criteria provided, single submitter. Criteria: Athena Diagnostics Criteria. Collection method: clinical testing. Allele origin: germline.

Literature cited by the submitters: PubMed 23514105 (cited by Ambry Genetics); PubMed 29641532 (cited by Ambry Genetics); PubMed 21624971 (cited by Athena Diagnostics).